The following is an entry in ClinVar:

NM_183050.4(BCKDHB):c.977T>C (p.Leu326Pro)

Gene: BCKDHB (branched chain keto acid dehydrogenase E1 subunit beta; plus strand). Cytogenetic location: 6q14.1.
Variant type: single nucleotide variant.
Coding change: c.977T>C on transcript NM_183050.4 (MANE Select); coding-DNA position 977, T replaced by C.
Protein change: p.Leu326Pro; replaces leucine 326 with proline.
Molecular consequence: missense variant. On other transcripts: non-coding transcript variant (6).
Genome position (GRCh38, 1-based): chr6:80,273,160, T>C. VCF-style: chr6-80273160-T-C. GRCh37 (hg19) VCF-style: chr6-80982877-T-C.
Other names: c.977T>C, p.Leu326Pro (NM_000056.5, NM_001424035.1, NM_001424036.1 and 5 more transcripts); c.767T>C, p.Leu256Pro (NM_001318975.1, NM_001424043.1); short protein forms L256P, L326P.
Identifiers: ClinVar variation 5004760 (VCV005004760.1).

ClinVar aggregate classification (germline): Uncertain significance (1 of 4 stars; one submission).

Conditions:
Maple syrup urine disease type 1B (MSUD1B). Also called: MSUD type IB; MSUD type 3 (formerly); MSUD due to deficiency of e1-beta subunit of branched-chain alpha-keto acid dehydrogenase complex. Identifiers: MedGen C2930990, MONDO:0023692, OMIM 620698.

gnomAD v4.1: 1 of 1,613,624 alleles (0.000062%); highest among the groups gnomAD compares: Non-Finnish European, 0.000085%; no homozygotes.

Submission:

Myriad Genetics, Inc.
Classification: Uncertain significance for Maple syrup urine disease type 1B. Last evaluated: 2026-06-28. Review status: criteria provided, single submitter. Criteria: Myriad Autosomal Dominant, Autosomal Recessive and X-Linked Classification Criteria (2023). Collection method: clinical testing. Allele origin: unknown.
Comment: NM_183050.2(BCKDHB):c.977T>C(L326P) is a missense variant classified as a variant of uncertain significance in the context of maple syrup urine disease type Ib. L326P has been observed in a case with relevant disease (PMID: 39270351). Relevant functional assessments of this variant are not available in the literature. L326P has not been observed in referenced population frequency databases. In summary, there is insufficient evidence to classify NM_183050.2(BCKDHB):c.977T>C(L326P) as pathogenic or benign. Please note: this variant was assessed in the context of healthy population screening.

Literature cited by the submitters: PubMed 39270351.